The following is an entry in ClinVar:

ClinVar aggregate classification (germline): Uncertain significance. Review status: criteria provided, multiple submitters, no conflicts (2 of 4 stars). 4 submissions from 4 submitters: Uncertain significance (3). 1 of the submissions does not count toward it. Last evaluated 2026-06-28.

Conditions:
Fanconi anemia (FA). Also called: Fanconi's anemia. Identifiers: Orphanet 84, MedGen C0015625, MeSH D005199, MONDO:0019391.
Hereditary cancer-predisposing syndrome. Also called: Neoplastic Syndromes, Hereditary; Tumor predisposition; Hereditary Cancer Syndrome; Hereditary neoplastic syndrome. Identifiers: Orphanet 140162, MedGen C0027672, MeSH D009386, MONDO:0015356.

Allele frequency attached by ClinVar (database versions not stated): gnomAD 0.00001; TOPMed 0.00001.
gnomAD v4.1: 1 of 1,613,822 alleles (0.000062%); highest among the groups gnomAD compares: African/African-American, 0.0013%; no homozygotes.

Submissions (4):

Women's Health and Genetics/Laboratory Corporation of America, LabCorp
Classification: Uncertain significance. Last evaluated: 2026-06-28. Review status: criteria provided, single submitter. Criteria: LabCorp Variant Classification Summary - May 2015. Collection method: clinical testing. Allele origin: germline.

Ambry Genetics
Classification: Uncertain significance for Hereditary cancer-predisposing syndrome. Last evaluated: 2024-10-20. Review status: criteria provided, single submitter. Criteria: Ambry Variant Classification Scheme 2023. Collection method: clinical testing. Allele origin: germline.

Labcorp Genetics (formerly Invitae), Labcorp
Classification: Uncertain significance for Fanconi anemia. Last evaluated: 2020-03-12. Review status: criteria provided, single submitter. Criteria: Invitae Variant Classification Sherloc (09022015). Collection method: clinical testing. Allele origin: germline.
Comment: This sequence change replaces glutamic acid with lysine at codon 54 of the FANCC protein (p.Glu54Lys). The glutamic acid residue is moderately conserved and there is a small physicochemical difference between glutamic acid and lysine. This variant is not present in population databases (ExAC no frequency). This variant has not been reported in the literature in individuals with FANCC-related disease. Algorithms developed to predict the effect of missense changes on protein structure and function (SIFT, PolyPhen-2, Align-GVGD) all suggest that this variant is likely to be tolerated, but these predictions have not been confirmed by published functional studies and their clinical significance is uncertain. In summary, the available evidence is currently insufficient to determine the role of this variant in disease. Therefore, it has been classified as a Variant of Uncertain Significance.

Natera, Inc.
Classification: Uncertain significance for Fanconi anemia. Last evaluated: 2020-09-19. Review status: no assertion criteria provided. Collection method: clinical testing. Allele origin: germline. Not counted in ClinVar's aggregate classification.

NM_000136.3(FANCC):c.160G>A (p.Glu54Lys)

Gene: FANCC (FA complementation group C; minus strand). Cytogenetic location: 9q22.32.
Variant type: single nucleotide variant.
Coding change: c.160G>A on transcript NM_000136.3 (MANE Select); coding-DNA position 160, G replaced by A.
Protein change: p.Glu54Lys; replaces glutamic acid 54 with lysine.
Molecular consequence: missense variant.
Genome position (GRCh38, 1-based): chr9:95,249,132, C>T on the plus strand (G>A on the coding strand, the complement: FANCC is on the minus strand). VCF-style: chr9-95249132-C-T. GRCh37 (hg19) VCF-style: chr9-98011414-C-T.
Other names: c.160G>A, p.Glu54Lys (NM_001243743.2, NM_001243744.2); short protein forms E54K.
Identifiers: ClinVar variation 582335 (VCV000582335.14), dbSNP rs1564794487, ClinGen allele CA374340196.